The following is an entry in ClinVar:

NM_006734.4(HIVEP2):c.3047T>C (p.Leu1016Ser)

Gene: HIVEP2 (HIVEP zinc finger 2; minus strand). Cytogenetic location: 6q24.2.
Variant type: single nucleotide variant.
Coding change: c.3047T>C on transcript NM_006734.4 (MANE Select); coding-DNA position 3047, T replaced by C.
Protein change: p.Leu1016Ser; replaces leucine 1016 with serine.
Molecular consequence: missense variant.
Genome position (GRCh38, 1-based): chr6:142,771,692, A>G on the plus strand (T>C on the coding strand, the complement: HIVEP2 is on the minus strand). VCF-style: chr6-142771692-A-G. GRCh37 (hg19) VCF-style: chr6-143092829-A-G.
Other names: short protein forms L1016S.
Identifiers: ClinVar variation 2807213 (VCV002807213.3), dbSNP rs1369208832, ClinGen allele CA365907513.

ClinVar aggregate classification (germline): Uncertain significance (1 of 4 stars; one submission).

Allele frequency attached by ClinVar (database versions not stated): gnomAD exomes below 0.00001.
gnomAD v4.1: 3 of 1,614,178 alleles (0.00019%); highest among the groups gnomAD compares: Non-Finnish European, 0.00017%; no homozygotes.

Submission:

Labcorp Genetics (formerly Invitae), Labcorp
Classification: Uncertain significance. Last evaluated: 2023-04-09. Review status: criteria provided, single submitter. Criteria: Invitae Variant Classification Sherloc (09022015). Collection method: clinical testing. Allele origin: germline.
Comment: In summary, the available evidence is currently insufficient to determine the role of this variant in disease. Therefore, it has been classified as a Variant of Uncertain Significance. Advanced modeling of protein sequence and biophysical properties (such as structural, functional, and spatial information, amino acid conservation, physicochemical variation, residue mobility, and thermodynamic stability) performed at Invitae indicates that this missense variant is expected to disrupt HIVEP2 protein function. This variant has not been reported in the literature in individuals affected with HIVEP2-related conditions. This variant is not present in population databases (gnomAD no frequency). This sequence change replaces leucine, which is neutral and non-polar, with serine, which is neutral and polar, at codon 1016 of the HIVEP2 protein (p.Leu1016Ser).